The following is an entry in ClinVar:

NM_006766.5(KAT6A):c.4541C>G (p.Pro1514Arg)

Gene: KAT6A (lysine acetyltransferase 6A; minus strand). Cytogenetic location: 8p11.21.
Variant type: single nucleotide variant.
Coding change: c.4541C>G on transcript NM_006766.5 (MANE Select); coding-DNA position 4541, C replaced by G.
Protein change: p.Pro1514Arg; replaces proline 1514 with arginine.
Molecular consequence: missense variant.
Genome position (GRCh38, 1-based): chr8:41,933,679, G>C on the plus strand (C>G on the coding strand, the complement: KAT6A is on the minus strand). VCF-style: chr8-41933679-G-C. GRCh37 (hg19) VCF-style: chr8-41791197-G-C.
Other names: short protein forms P1514R.
Identifiers: ClinVar variation 4702191 (VCV004702191.1).

ClinVar aggregate classification (germline): Uncertain significance (1 of 4 stars; one submission).

gnomAD v4.1: 5 of 1,614,106 alleles (0.00031%); highest among the groups gnomAD compares: Non-Finnish European, 0.00042%; no homozygotes.

Submission:

Labcorp Genetics (formerly Invitae), Labcorp
Classification: Uncertain significance. Last evaluated: 2025-05-07. Review status: criteria provided, single submitter. Criteria: Invitae Variant Classification Sherloc (09022015). Collection method: clinical testing. Allele origin: germline.
Comment: This sequence change replaces proline, which is neutral and non-polar, with arginine, which is basic and polar, at codon 1514 of the KAT6A protein (p.Pro1514Arg). This variant is present in population databases (no rsID available, gnomAD 0.0009%). This variant has not been reported in the literature in individuals affected with KAT6A-related conditions. Invitae Evidence Modeling of protein sequence and biophysical properties (such as structural, functional, and spatial information, amino acid conservation, physicochemical variation, residue mobility, and thermodynamic stability) has been performed for this missense variant. However, the output from this modeling did not meet the statistical confidence thresholds required to predict the impact of this variant on KAT6A protein function. In summary, the available evidence is currently insufficient to determine the role of this variant in disease. Therefore, it has been classified as a Variant of Uncertain Significance.